The following is an entry in ClinVar:

NM_000939.4(POMC):c.599_604dup (p.Ala201_Gln202insArgAla)

Gene: POMC (proopiomelanocortin; minus strand). Cytogenetic location: 2p23.3.
Variant type: Duplication.
Coding change: c.599_604dup on transcript NM_000939.4 (MANE Select); coding-DNA positions 599 to 604, 6 bases duplicated (GGGCCC; older notation c.599_604dupGGGCCC).
Protein change: p.Ala201_Gln202insArgAla.
Molecular consequence: inframe insertion.
Genome position (GRCh38, 1-based): chr2:25,161,281-25,161,286, GGGCCC duplicated on the plus strand (GGGCCC on the coding strand, the reverse complement: POMC is on the minus strand). VCF-style (leftmost placement, unchanged base first): chr2-25161280-T-TGGGCCC. GRCh37 (hg19) VCF-style: chr2-25384149-T-TGGGCCC.
Other names: c.599_604dup, p.Ala201_Gln202insArgAla (NM_001035256.3, NM_001319204.2, NM_001319205.2); c.599_604dup (NM_001035256.1).
Identifiers: ClinVar variation 420163 (VCV000420163.10), dbSNP rs762710034, ClinGen allele CA1555260.

ClinVar aggregate classification (germline): Uncertain significance. Review status: criteria provided, multiple submitters, no conflicts (2 of 4 stars). 3 submissions from 3 submitters: Uncertain significance (3). Last evaluated 2025-11-10.

Conditions:
Obesity due to pro-opiomelanocortin deficiency. Also called: PROOPIOMELANOCORTIN DEFICIENCY; Obesity, adrenal insufficiency, and red hair due to POMC deficiency; OBESITY, EARLY-ONSET, WITH ADRENAL INSUFFICIENCY AND RED HAIR. Identifiers: Orphanet 71526, MedGen C1857854, MONDO:0012335, OMIM 609734.

Allele frequency attached by ClinVar (database versions not stated): gnomAD exomes 0.00035 and 0.00039; gnomAD 0.00039; ExAC 0.00052; ESP Exome Variant Server 0.00056.

Submissions (3):

GeneDx
Classification: Uncertain significance. Last evaluated: 2025-11-10. Review status: criteria provided, single submitter. Criteria: GeneDx Variant Classification Process June 2021. Collection method: clinical testing. Allele origin: germline. Affected: yes.
Comment: In-frame insertion of 2 amino acids in a non-repeat region; This variant is associated with the following publications: (PMID: 23028917, 29970488, 12068494, 9768693, 35574020)

Labcorp Genetics (formerly Invitae), Labcorp
Classification: Uncertain significance. Last evaluated: 2025-06-14. Review status: criteria provided, single submitter. Criteria: Invitae Variant Classification Sherloc (09022015). Collection method: clinical testing. Allele origin: germline.
Comment: This variant, c.599_604dup, results in the insertion of 2 amino acid(s) of the POMC protein (p.Ala201_Gln202insArgAla), but otherwise preserves the integrity of the reading frame. This variant is present in population databases (rs762710034, gnomAD 0.2%), including at least one homozygous and/or hemizygous individual. This variant has been observed in individual(s) with obesity, in cis with a nearby nonsense variant (PMID: 9768693, 29970488, 35574020). ClinVar contains an entry for this variant (Variation ID: 420163). Experimental studies and prediction algorithms are not available or were not evaluated, and the functional significance of this variant is currently unknown. In summary, the available evidence is currently insufficient to determine the role of this variant in disease. Therefore, it has been classified as a Variant of Uncertain Significance.

New York Genome Center
Classification: Uncertain significance for Obesity due to pro-opiomelanocortin deficiency. Last evaluated: 2019-05-24. Review status: criteria provided, single submitter. Criteria: NYGC Assertion Criteria 2020. Collection method: clinical testing. Allele origin: inherited. Observed: 1 heterozygote. Study: CSER-NYCKidSeq.

Literature cited by the submitters: PubMed 9768693 (cited by Labcorp Genetics (formerly Invitae), Labcorp); PubMed 29970488 (cited by Labcorp Genetics (formerly Invitae), Labcorp); PubMed 35574020 (cited by Labcorp Genetics (formerly Invitae), Labcorp).